The following is an entry in ClinVar:

NM_014363.6(SACS):c.9769G>T (p.Val3257Leu)

Gene: SACS (sacsin molecular chaperone; minus strand). Cytogenetic location: 13q12.12.
Variant type: single nucleotide variant.
Coding change: c.9769G>T on transcript NM_014363.6 (MANE Select); coding-DNA position 9769, G replaced by T.
Protein change: p.Val3257Leu; replaces valine 3257 with leucine.
Molecular consequence: missense variant.
Genome position (GRCh38, 1-based): chr13:23,334,107, C>A on the plus strand (G>T on the coding strand, the complement: SACS is on the minus strand). VCF-style: chr13-23334107-C-A. GRCh37 (hg19) VCF-style: chr13-23908246-C-A.
Other names: p.Val3257Leu; c.9769G>T (NM_014363.4); c.9328G>T, p.Val3110Leu (NM_001278055.2); short protein forms V3257L, V3110L.
Identifiers: ClinVar variation 2199555 (VCV002199555.6), dbSNP rs1041641264, ClinGen allele CA246653066.

ClinVar aggregate classification (germline): Conflicting classifications of pathogenicity. Review status: criteria provided, conflicting classifications (1 of 4 stars). 3 submissions from 3 submitters: Uncertain significance (1); Benign (1); Likely benign (1). Last evaluated 2025-04-09.

Conditions:
Inborn genetic diseases. Identifiers: MedGen C0950123, MeSH D030342.
Spastic paraplegia. Identifiers: MedGen C0037772, HP:0001258.

Allele frequency attached by ClinVar (database versions not stated): gnomAD 0.00005; TOPMed 0.00009.
gnomAD v4.1: 21 of 1,613,632 alleles (0.0013%); highest among the groups gnomAD compares: African/African-American, 0.028%; no homozygotes.

Submissions (3):

Mayo Clinic Laboratories, Mayo Clinic
Classification: Uncertain significance. Last evaluated: 2025-04-09. Review status: criteria provided, single submitter. Criteria: ACMG Guidelines, 2015. Collection method: clinical testing. Allele origin: germline. Observed: 1 variant allele.
Comment: BP4_moderate

Labcorp Genetics (formerly Invitae), Labcorp
Classification: Benign for Spastic paraplegia. Last evaluated: 2024-12-23. Review status: criteria provided, single submitter. Criteria: Invitae Variant Classification Sherloc (09022015). Collection method: clinical testing. Allele origin: germline.

Ambry Genetics
Classification: Likely benign for Inborn genetic diseases. Last evaluated: 2022-09-22. Review status: criteria provided, single submitter. Criteria: Ambry Variant Classification Scheme 2023. Collection method: clinical testing. Allele origin: germline.